The following is an entry in ClinVar:

ClinVar aggregate classification (germline): Uncertain significance (1 of 4 stars; one submission).

Conditions:
TTN-related disorder. Also called: TTN-related condition; TTN-related disease; TTN-related disorders.

Allele frequency attached by ClinVar (database versions not stated): TOPMed below 0.00001; gnomAD 0.00001.
gnomAD v4.1: 7 of 1,613,412 alleles (0.00043%); highest among the groups gnomAD compares: East Asian, 0.0022%; no homozygotes.

Submission:

PreventionGenetics, part of Exact Sciences
Classification: Uncertain significance for TTN-related condition. Last evaluated: 2022-10-21. Review status: criteria provided, single submitter. Criteria: ACMG Guidelines, 2015. Collection method: clinical testing. Allele origin: germline.
Comment: The TTN c.97625G>C variant is predicted to result in the amino acid substitution p.Arg32542Thr. To our knowledge, this variant has not been reported in the literature or in a large population database, indicating this variant is rare. At this time, the clinical significance of this variant is uncertain due to the absence of conclusive functional and genetic evidence.

NM_001267550.2(TTN):c.97625G>C (p.Arg32542Thr)

Genes: TTN (titin; minus strand), TTN-AS1 (TTN antisense RNA 1; plus strand). Cytogenetic location: 2q31.2.
Variant type: single nucleotide variant.
Coding change: c.97625G>C on transcript NM_001267550.2 (MANE Select); coding-DNA position 97625, G replaced by C.
Protein change: p.Arg32542Thr; replaces arginine 32542 with threonine.
Molecular consequence: missense variant.
Genome position (GRCh38, 1-based): chr2:178,541,452, C>G on the plus strand (G>C on the coding strand, the complement: TTN is on the minus strand). VCF-style: chr2-178541452-C-G. GRCh37 (hg19) VCF-style: chr2-179406179-C-G.
Other names: c.92702G>C, p.Arg30901Thr (NM_001256850.1); c.70430G>C, p.Arg23477Thr (NM_003319.4); c.89921G>C, p.Arg29974Thr (NM_133378.4); c.70805G>C, p.Arg23602Thr (NM_133432.3); c.71006G>C, p.Arg23669Thr (NM_133437.4); short protein forms R23477T, R23602T, R23669T, R29974T, R30901T, R32542T.
Identifiers: ClinVar variation 2636970 (VCV002636970.1), dbSNP rs1449597774, ClinGen allele CA349437134.
Genomic context (GRCh38, chr2:178,541,452, plus strand): 5'-GTGGAGCGGTACCGTGTCATTGTCACAGGTACTTTATTTACACGGACCCATCGATCTGCT[C>G]TCACTTCTTTGCGCTCCACAATATATCCAGTCACTTGGGAGCCACCGTCATCCTCTGGTG-3'
Protein context (NP_001254479.2, residues 32532-32552): TGYIVERKEV[Arg32542Thr]ADRWVRVNKV